The following is an entry in ClinVar:

NM_001083614.2(EARS2):c.700G>C (p.Val234Leu)

Gene: EARS2 (glutamyl-tRNA synthetase 2, mitochondrial; minus strand). Cytogenetic location: 16p12.2.
Variant type: single nucleotide variant.
Coding change: c.700G>C on transcript NM_001083614.2 (MANE Select); coding-DNA position 700, G replaced by C.
Protein change: p.Val234Leu; replaces valine 234 with leucine.
Molecular consequence: missense variant. On other transcripts: non-coding transcript variant (1).
Genome position (GRCh38, 1-based): chr16:23,535,146, C>G on the plus strand (G>C on the coding strand, the complement: EARS2 is on the minus strand). VCF-style: chr16-23535146-C-G. GRCh37 (hg19) VCF-style: chr16-23546467-C-G.
Other names: c.700G>C, p.Val234Leu (NM_001308211.1); short protein forms V234L.
Identifiers: ClinVar variation 392792 (VCV000392792.2), dbSNP rs1057524634, ClinGen allele CA16606985.

ClinVar aggregate classification (germline): Likely pathogenic (1 of 4 stars; one submission).

Submission:

GeneDx
Classification: Likely pathogenic. Last evaluated: 2017-01-23. Review status: criteria provided, single submitter. Criteria: GeneDx Variant Classification (06012015). Collection method: clinical testing. Allele origin: germline. Affected: yes.
Comment: The V234L variant in the EARS2 gene has not been reported previously as a pathogenic variant, nor as a benign variant, to our knowledge. The V234L variant was not observed in approximately 6400 individuals of European and African American ancestry in the NHLBI Exome Sequencing Project, indicating it is not a common benign variant in these populations. The V234L variant is a conservative amino acid substitution, which is not likely to impact secondary protein structure as these residues share similar properties. However, this substitution occurs at a position that is conserved across species, and in silico analysis predicts this variant is probably damaging to the protein structure/function. The V234L variant is a strong candidate for a pathogenic variant, however the possibility it may be a rare benign variant cannot be excluded.